The following is an entry in ClinVar:

ClinVar aggregate classification (germline): Pathogenic. Review status: reviewed by expert panel (3 of 4 stars). 2 submissions from 2 submitters: Pathogenic (1). 1 of the submissions does not count toward it. Last evaluated 2026-02-10.

Conditions:
Autosomal recessive limb-girdle muscular dystrophy type 2B (LGMDR2). Also called: Limb-Girdle Muscular Dystrophy Type 2B (LGMD2B); MUSCULAR DYSTROPHY, LIMB-GIRDLE, TYPE 3; Limb-girdle muscular dystrophy, type 2B; MUSCULAR DYSTROPHY, LIMB-GIRDLE, AUTOSOMAL RECESSIVE 2. Identifiers: Orphanet 268, MedGen C1850889, MONDO:0009676, OMIM 253601.
Limb-girdle muscular dystrophy (LGMD). Also called: Muscular Dystrophies, Limb-Girdle. Identifiers: Orphanet 263, MedGen C0686353, MeSH D049288, MONDO:0016971, HP:0006785.

Submissions (2):

ClinGen Limb Girdle Muscular Dystrophy Variant Curation Expert Panel, ClinGen
Classification: Pathogenic for Limb-girdle muscular dystrophy. Last evaluated: 2026-02-10. Review status: reviewed by expert panel. Criteria: ClinGen LGMD VCEP ACMG Specifications DYSF V2.0.0. Collection method: curation. Allele origin: germline. Inheritance: Autosomal recessive inheritance.
Comment: The NM_003494.4: c.5526-1G>A variant in DYSF, which is also known as NM_001130987.2: c.5643-1G>A, occurs within the canonical splice acceptor site (+/- 1,2) of intron 49. SpliceAI gives a delta score of 0.99 for loss of the canonical acceptor and of 0.73 for gain of a cryptic acceptor at +20. Either skipping of exon 50 or use of the cryptic splice site at +20 would be expected to introduce a frameshift, leading to nonsense-mediated decay in a gene in which loss of function is a known disease mechanism (PVS1). This variant has been reported in unconfirmed phase with a second presumed diagnostic DYSF variant in at least one patient with a clinical diagnosis of limb girdle muscular dystrophy and absent dysferlin protein expression in skeletal muscle, which is highly specific for DYSF-related LGMD (PMID: 20544924; PP4_Strong). It is also absent from gnomAD v.4.1.0 (PM2_Supporting). In summary, this variant meets criteria to be classified as Pathogenic for autosomal recessive limb girdle muscular dystrophy based on the ACMG/AMP criteria applied, as specified by the ClinGen LGMD VCEP (LGMD VCEP specifications version 2.0.0; 02/10/2026): PVS1, PP4_Strong, PM2_Supporting.

Natera, Inc.
Classification: Pathogenic for Limb-girdle muscular dystrophy type 2B. Last evaluated: 2025-01-27. Review status: criteria provided, single submitter. Criteria: Natera Variant Classification Schema (03/2026). Collection method: clinical testing. Allele origin: germline. Not counted in ClinVar's aggregate classification.
Comment: The c.5526-1G>A variant in DYSF is a canonical splice acceptor site variant predicted to affect pre-mRNA splicing, which may result in an abnormal transcript and altered protein product. This variant is expected to result in nonsense mediated decay, truncation, or a dysfunctional protein product. This variant is rare in the general population with a frequency below the threshold expected for the associated phenotype(s). This variant has been observed in one or more individuals affected with the associated recessive disease, as either homozygous or compound heterozygous with a second variant (PMID: 20544924). Given the available evidence, this variant is classified as Pathogenic.

Literature cited by the submitters: PubMed 20544924 (cited by Natera, Inc.).

NM_001130987.2(DYSF):c.5643-1G>A

Gene: DYSF (dysferlin; plus strand). Cytogenetic location: 2p13.2.
Variant type: single nucleotide variant.
Coding change: c.5643-1G>A on transcript NM_001130987.2 (MANE Select); the canonical splice acceptor site of the intron before coding-DNA position 5643, G replaced by A.
Molecular consequence: splice acceptor variant.
Genome position (GRCh38, 1-based): chr2:71,669,604, G>A. VCF-style: chr2-71669604-G-A. GRCh37 (hg19) VCF-style: chr2-71896734-G-A.
Other names: c.5487-1G>A (NM_001130986.2); c.5484-1G>A (NM_001130976.2); c.5622-1G>A (NM_001130982.2); c.5580-1G>A (NM_001130985.2); c.5592-1G>A (NM_001130983.2); c.5529-1G>A (NM_001130455.2); c.5550-1G>A (NM_001130984.2); c.5619-1G>A (NM_001130979.2); and 5 more.
Identifiers: ClinVar variation 4067072 (VCV004067072.3).